The following is an entry in ClinVar:

ClinVar aggregate classification (germline): Uncertain significance (1 of 4 stars; one submission).

Allele frequency attached by ClinVar (database versions not stated): gnomAD exomes below 0.00001.
gnomAD v4.1: 1 of 1,612,426 alleles (0.000062%); highest among the groups gnomAD compares: Non-Finnish European, 0.000085%; no homozygotes.

Submission:

Labcorp Genetics (formerly Invitae), Labcorp
Classification: Uncertain significance. Last evaluated: 2021-01-17. Review status: criteria provided, single submitter. Criteria: Invitae Variant Classification Sherloc (09022015). Collection method: clinical testing. Allele origin: germline.
Comment: In summary, the available evidence is currently insufficient to determine the role of this variant in disease. Therefore, it has been classified as a Variant of Uncertain Significance. This sequence change replaces arginine with cysteine at codon 30 of the FGF12 protein (p.Arg30Cys). The arginine residue is moderately conserved and there is a large physicochemical difference between arginine and cysteine. This variant is not present in population databases (ExAC no frequency). This variant has not been reported in the literature in individuals with FGF12-related conditions. Algorithms developed to predict the effect of missense changes on protein structure and function are either unavailable or do not agree on the potential impact of this missense change (SIFT: "Deleterious"; PolyPhen-2: "Possibly Damaging"; Align-GVGD: "Class C0").

NM_004113.6(FGF12):c.14-47598C>T

Gene: FGF12 (fibroblast growth factor 12; minus strand). Cytogenetic location: 3q28.
Variant type: single nucleotide variant.
Coding change: c.14-47598C>T on transcript NM_004113.6 (MANE Select); 47598 bases into the intron before coding-DNA position 14, C replaced by T.
Molecular consequence: intron variant. On other transcripts: missense variant (1).
Genome position (GRCh38, 1-based): chr3:192,408,136, G>A on the plus strand (C>T on the coding strand, the complement: FGF12 is on the minus strand). VCF-style: chr3-192408136-G-A. GRCh37 (hg19) VCF-style: chr3-192125925-G-A.
Other names: c.88C>T, p.Arg30Cys (NM_021032.5); c.-59-47598C>T (NM_001377293.1); c.14-72672C>T (NM_001377292.1); c.-60+1376C>T (NM_001377294.1); short protein forms R30C.
Identifiers: ClinVar variation 1382561 (VCV001382561.8), dbSNP rs920134166, ClinGen allele CA90414393.